The following is an entry in ClinVar:

ClinVar aggregate classification (germline): Uncertain significance (1 of 4 stars; one submission).

Submission:

Ambry Genetics
Classification: Uncertain significance. Last evaluated: 2024-08-08. Review status: criteria provided, single submitter. Criteria: Ambry Variant Classification Scheme 2023. Collection method: clinical testing. Allele origin: germline.
Comment: The p.S933N variant (also known as c.2798G>A), located in coding exon 4 of the ALPK2 gene, results from a G to A substitution at nucleotide position 2798. The serine at codon 933 is replaced by asparagine, an amino acid with highly similar properties. This amino acid position is conserved. In addition, this alteration is predicted to be tolerated by in silico analysis. Based on the available evidence, the clinical significance of this variant remains unclear.

NM_052947.4(ALPK2):c.2798G>A (p.Ser933Asn)

Gene: ALPK2 (alpha kinase 2; minus strand). Cytogenetic location: 18q21.31.
Variant type: single nucleotide variant.
Coding change: c.2798G>A on transcript NM_052947.4 (MANE Select); coding-DNA position 2798, G replaced by A.
Protein change: p.Ser933Asn; replaces serine 933 with asparagine.
Molecular consequence: missense variant.
Genome position (GRCh38, 1-based): chr18:58,537,389, C>T on the plus strand (G>A on the coding strand, the complement: ALPK2 is on the minus strand). VCF-style: chr18-58537389-C-T. GRCh37 (hg19) VCF-style: chr18-56204621-C-T.
Other names: short protein forms S933N.
Identifiers: ClinVar variation 3531088 (VCV003531088.1).